The following is an entry in ClinVar:

ClinVar aggregate classification (germline): Benign (0 of 4 stars; one submission).

Conditions:
PNPLA5-related disorder. Also called: PNPLA5-related condition.

Allele frequency attached by ClinVar (database versions not stated): gnomAD exomes 0.00015; ExAC 0.00065; ESP Exome Variant Server 0.00200; gnomAD 0.00207; TOPMed 0.00217; 1000 Genomes Project 0.00240; 1000 Genomes Project 30x 0.00265.
gnomAD v4.1: 550 of 1,614,108 alleles (0.034%); highest among the groups gnomAD compares: African/African-American, 0.64%; 4 homozygotes.

Submission:

PreventionGenetics, part of Exact Sciences
Classification: Benign for PNPLA5-related condition. Last evaluated: 2019-06-21. Review status: no assertion criteria provided. Collection method: clinical testing. Allele origin: germline.
Comment: This variant is classified as benign based on ACMG/AMP sequence variant interpretation guidelines (Richards et al. 2015 PMID: 25741868, with internal and published modifications).

NM_138814.4(PNPLA5):c.852A>G (p.Gln284=)

Gene: PNPLA5 (patatin like domain 5, triacylglycerol lipase; minus strand). Cytogenetic location: 22q13.31.
Variant type: single nucleotide variant.
Coding change: c.852A>G on transcript NM_138814.4 (MANE Select); coding-DNA position 852, A replaced by G.
Protein change: p.Gln284=; no amino-acid change (glutamine 284 retained).
Molecular consequence: synonymous variant.
Genome position (GRCh38, 1-based): chr22:43,886,400, T>C on the plus strand (A>G on the coding strand, the complement: PNPLA5 is on the minus strand). VCF-style: chr22-43886400-T-C. GRCh37 (hg19) VCF-style: chr22-44282280-T-C.
Other names: c.510A>G, p.Gln170= (NM_001177675.2); c.432A>G, p.Gln144= (NM_001371410.1).
Identifiers: ClinVar variation 3039719 (VCV003039719.2), dbSNP rs147684662, ClinGen allele CA10277468.